The following is an entry in ClinVar:

NM_006087.4(TUBB4A):c.834C>A (p.Ser278Arg)

Gene: TUBB4A (tubulin beta 4A class IVa; minus strand). Cytogenetic location: 19p13.3.
Variant type: single nucleotide variant.
Coding change: c.834C>A on transcript NM_006087.4 (MANE Select); coding-DNA position 834, C replaced by A.
Protein change: p.Ser278Arg; replaces serine 278 with arginine.
Molecular consequence: missense variant.
Genome position (GRCh38, 1-based): chr19:6,495,665, G>T on the plus strand (C>A on the coding strand, the complement: TUBB4A is on the minus strand). VCF-style: chr19-6495665-G-T. GRCh37 (hg19) VCF-style: chr19-6495676-G-T.
Other names: c.987C>A, p.Ser329Arg (NM_001289123.2); c.969C>A, p.Ser323Arg (NM_001289127.2); c.834C>A, p.Ser278Arg (NM_001289129.2); c.618C>A, p.Ser206Arg (NM_001289130.2, NM_001289131.2); short protein forms S206R, S278R, S323R, S329R.
Identifiers: ClinVar variation 1308702 (VCV001308702.2), dbSNP rs2145244411, ClinGen allele CA403590862.
Genomic context (GRCh38, chr19:6,495,665, plus strand): 5'-GTTCTTGGCATCGAACATCTGCTGGGTGAGCTCGGGCACCGTCAGGGCCCGGTACTGCTG[G>T]CTGCCCCGGCTGGTCAGGGGTGCGAAGCCGGGCATGAAGAAGTGCAGGCGAGGAAAGGGA-3'
Protein context (NP_006078.2, residues 268-288): PGFAPLTSRG[Ser278Arg]QQYRALTVPE

ClinVar aggregate classification (germline): Uncertain significance (1 of 4 stars; one submission).

Submission:

GeneDx
Classification: Uncertain significance. Last evaluated: 2019-10-04. Review status: criteria provided, single submitter. Criteria: GeneDx Variant Classification Process June 2021. Collection method: clinical testing. Allele origin: germline. Affected: yes.
Comment: Not observed in large population cohorts (Lek et al., 2016); In silico analysis, which includes protein predictors and evolutionary conservation, supports a deleterious effect; Has not been previously published as pathogenic or benign to our knowledge